The following is an entry in ClinVar:

ClinVar aggregate classification (germline): Uncertain significance (1 of 4 stars; one submission).

Conditions:
Neuropathy, hereditary sensory and autonomic, type 2A (HSAN2A). Also called: WNK1-Related HSAN2 (HSAN2A); MORVAN DISEASE; NEUROPATHY, CONGENITAL SENSORY; NEUROPATHY, HEREDITARY SENSORY RADICULAR, AUTOSOMAL RECESSIVE; NEUROPATHY, HEREDITARY SENSORY, TYPE IIA; NEUROPATHY, PROGRESSIVE SENSORY, OF CHILDREN. Identifiers: Orphanet 970, MedGen C2752089, MONDO:0024309, OMIM 201300.
Pseudohypoaldosteronism type 2C (PHA2C). Also called: Pseudohypoaldosteronism Type IIC. Identifiers: Orphanet 757, Orphanet 88940, MedGen C1840391, MONDO:0013778, OMIM 614492.

Allele frequency attached by ClinVar (database versions not stated): gnomAD exomes below 0.00001; TOPMed below 0.00001; gnomAD 0.00001.
gnomAD v4.1: 2 of 1,614,072 alleles (0.00012%); highest among the groups gnomAD compares: Non-Finnish European, 0.00017%; no homozygotes.

Submission:

Labcorp Genetics (formerly Invitae), Labcorp
Classification: Uncertain significance for Neuropathy, hereditary sensory and autonomic, type 2A; Pseudohypoaldosteronism type 2C. Last evaluated: 2022-07-19. Review status: criteria provided, single submitter. Criteria: Invitae Variant Classification Sherloc (09022015). Collection method: clinical testing. Allele origin: germline.
Comment: This variant has not been reported in the literature in individuals affected with WNK1-related conditions. This variant is present in population databases (no rsID available, gnomAD 0.0009%). This sequence change replaces glycine, which is neutral and non-polar, with arginine, which is basic and polar, at codon 2394 of the WNK1 protein (p.Gly2394Arg). ClinVar contains an entry for this variant (Variation ID: 1361737). In summary, the available evidence is currently insufficient to determine the role of this variant in disease. Therefore, it has been classified as a Variant of Uncertain Significance. Advanced modeling of protein sequence and biophysical properties (such as structural, functional, and spatial information, amino acid conservation, physicochemical variation, residue mobility, and thermodynamic stability) performed at Invitae indicates that this missense variant is not expected to disrupt WNK1 protein function.

NM_018979.4(WNK1):c.6424G>C (p.Gly2142Arg)

Gene: WNK1 (WNK lysine deficient protein kinase 1; plus strand). Cytogenetic location: 12p13.33.
Variant type: single nucleotide variant.
Coding change: c.6424G>C on transcript NM_018979.4 (MANE Select); coding-DNA position 6424, G replaced by C.
Protein change: p.Gly2142Arg; replaces glycine 2142 with arginine.
Molecular consequence: missense variant.
Genome position (GRCh38, 1-based): chr12:897,657, G>C. VCF-style: chr12-897657-G-C. GRCh37 (hg19) VCF-style: chr12-1006823-G-C.
Other names: c.7204G>C, p.Gly2402Arg (NM_001184985.2); c.5680G>C, p.Gly1894Arg (NM_014823.3); c.7180G>C, p.Gly2394Arg (NM_213655.5); short protein forms G2402R, G1894R, G2142R, G2394R.
Identifiers: ClinVar variation 1361737 (VCV001361737.8), dbSNP rs1199382432, ClinGen allele CA383337391.